The following is an entry in ClinVar:

NM_001001563.5(TIMM50):c.269C>T (p.Pro90Leu)

Gene: TIMM50 (translocase of inner mitochondrial membrane 50; plus strand). Cytogenetic location: 19q13.2.
Variant type: single nucleotide variant.
Coding change: c.269C>T on transcript NM_001001563.5 (MANE Select); coding-DNA position 269, C replaced by T.
Protein change: p.Pro90Leu; replaces proline 90 with leucine.
Molecular consequence: missense variant. On other transcripts: 5 prime UTR variant (1).
Genome position (GRCh38, 1-based): chr19:39,482,894, C>T. VCF-style: chr19-39482894-C-T. GRCh37 (hg19) VCF-style: chr19-39973534-C-T.
Other names: c.-12C>T (NM_001329559.2); short protein forms P90L.
Identifiers: ClinVar variation 2150291 (VCV002150291.3), dbSNP rs544790446, ClinGen allele CA9431730.

ClinVar aggregate classification (germline): Uncertain significance (1 of 4 stars; one submission).

Allele frequency attached by ClinVar (database versions not stated): ExAC 0.00002; TOPMed 0.00003; gnomAD exomes 0.00004; gnomAD 0.00005.
gnomAD v4.1: 70 of 1,613,930 alleles (0.0043%); highest among the groups gnomAD compares: African/African-American, 0.0093%; no homozygotes.

Submission:

Labcorp Genetics (formerly Invitae), Labcorp
Classification: Uncertain significance. Last evaluated: 2025-11-11. Review status: criteria provided, single submitter. Criteria: Invitae Variant Classification Sherloc (09022015). Collection method: clinical testing. Allele origin: germline.
Comment: This sequence change replaces proline, which is neutral and non-polar, with leucine, which is neutral and non-polar, at codon 193 of the TIMM50 protein (p.Pro193Leu). This variant is present in population databases (rs544790446, gnomAD 0.008%). This variant has not been reported in the literature in individuals affected with TIMM50-related conditions. ClinVar contains an entry for this variant (Variation ID: 2150291). An algorithm developed to predict the effect of missense changes on protein structure and function (PolyPhen-2) suggests that this variant is likely to be tolerated. In summary, the available evidence is currently insufficient to determine the role of this variant in disease. Therefore, it has been classified as a Variant of Uncertain Significance.